The following is an entry in ClinVar:

NM_000535.7(PMS2):c.1289_1292del (p.Thr430fs)

Gene: PMS2 (PMS1 homolog 2, mismatch repair system component; minus strand). Cytogenetic location: 7p22.1.
Variant type: Deletion.
Coding change: c.1289_1292del on transcript NM_000535.7 (MANE Select); coding-DNA positions 1289 to 1292, 4 bases deleted (CAGA; older notation c.1289_1292delCAGA).
Protein change: p.Thr430fs; shifts the reading frame from threonine 430.
Molecular consequence: frameshift variant. On other transcripts: non-coding transcript variant (1), intron variant (1).
Genome position (GRCh38, 1-based): chr7:5,987,473-5,987,476, TCTG deleted on the plus strand (CAGA on the coding strand, the reverse complement: PMS2 is on the minus strand); deleting any 4 consecutive bases within chr7:5,987,473-5,987,477 gives the same sequence; the c. name uses the placement nearest the transcript's 3' end. VCF-style (leftmost placement, unchanged base first): chr7-5987472-CTCTG-C. GRCh37 (hg19) VCF-style: chr7-6027103-CTCTG-C.
Other names: c.883_886delACAG, p.Thr295Argfs (NM_001018040.1); c.884_887del, p.Thr295fs (NM_001322003.2, NM_001322004.2, NM_001322005.2 and 16 more transcripts); c.1133_1136del, p.Thr378fs (NM_001322006.2, NM_001406870.1); c.971_974del, p.Thr324fs (NM_001322007.2, NM_001322008.2, NM_001406876.1 and 2 more transcripts); c.728_731del, p.Thr243fs (NM_001322010.2, NM_001406906.1, NM_001406907.1); c.356_359del, p.Thr119fs (NM_001322011.2, NM_001322012.2); c.716_719del, p.Thr239fs (NM_001322013.2, NM_001406909.1); c.1289_1292del, p.Thr430fs (NM_001322014.2, NM_001406871.1, NM_001406872.1); and 14 more; short protein forms T322fs, T324fs, T327fs, T364fs, T374fs, T378fs, T394fs, T430fs.
Identifiers: ClinVar variation 2674277 (VCV002674277.1), dbSNP rs2535819055, ClinGen allele CA2695198446.

ClinVar aggregate classification (germline): Pathogenic (1 of 4 stars; one submission).

Conditions:
Lynch syndrome 4 (LYNCH4). Also called: Hereditary non-polyposis colorectal cancer, type 4; Colorectal cancer, hereditary nonpolyposis, type 4. Identifiers: Orphanet 144, MedGen C1838333, MONDO:0013699, OMIM 614337. Disease mechanism: loss of function.

Submission:

Myriad Genetics, Inc.
Classification: Pathogenic for Lynch syndrome 4. Last evaluated: 2023-09-20. Review status: criteria provided, single submitter. Criteria: Myriad Autosomal Dominant, Autosomal Recessive and X-Linked Classification Criteria (2023). Collection method: clinical testing. Allele origin: unknown.
Comment: This variant is considered pathogenic. This variant creates a frameshift predicted to result in premature protein truncation.